The following is an entry in ClinVar:

ClinVar aggregate classification (germline): Likely pathogenic (1 of 4 stars; one submission).

Submission:

CeGaT Center for Human Genetics Tuebingen
Classification: Likely pathogenic. Last evaluated: 2022-04-01. Review status: criteria provided, single submitter. Criteria: CeGaT Center For Human Genetics Tuebingen Variant Classification Criteria Version 2. Collection method: clinical testing. Allele origin: germline. Affected: yes. Observed: 1 variant allele.
Comment: SAMD9: PS2, PM2, PP4, BP4

NM_017654.4(SAMD9):c.2644T>G (p.Phe882Val)

Gene: SAMD9 (sterile alpha motif domain containing 9; minus strand). Cytogenetic location: 7q21.2.
Variant type: single nucleotide variant.
Coding change: c.2644T>G on transcript NM_017654.4 (MANE Select); coding-DNA position 2644, T replaced by G.
Protein change: p.Phe882Val; replaces phenylalanine 882 with valine.
Molecular consequence: missense variant.
Genome position (GRCh38, 1-based): chr7:93,103,454, A>C on the plus strand (T>G on the coding strand, the complement: SAMD9 is on the minus strand). VCF-style: chr7-93103454-A-C. GRCh37 (hg19) VCF-style: chr7-92732767-A-C.
Other names: c.2644T>G, p.Phe882Val (NM_001193307.2); short protein forms F882V.
Identifiers: ClinVar variation 1695195 (VCV001695195.31), dbSNP rs2116417034, ClinGen allele CA368189868.
Genomic context (GRCh38, chr7:93,103,454, plus strand): 5'-GGACCACATTTTCTATGTATTCTTTATTAAAATTGGTTTTCATGATCATAAAGGAATAAA[A>C]ATCCTCAAAGTTTTTATGCTGTTCTTTGATTTCTTTCAATTTAAGCTCAAAAGCTCTCTG-3'
Protein context (NP_060124.2, residues 872-892): IKEQHKNFED[Phe882Val]YSFMIMKTNF